The following is an entry in ClinVar:

ClinVar aggregate classification (germline): Uncertain significance (1 of 4 stars; one submission).

Conditions:
Striatal degeneration, autosomal dominant 2 (ADSD2). Identifiers: MedGen C4310791, MONDO:0014835, OMIM 616922.

Submission:

MVZ Medizinische Genetik Mainz
Classification: Uncertain significance for Striatal degeneration, autosomal dominant 2. Last evaluated: 2025-12-08. Review status: criteria provided, single submitter. Criteria: UK Practice Guidelines For Variant Classification V4 01 2020. Collection method: clinical testing. Allele origin: germline. Inheritance: Autosomal dominant inheritance. Affected: yes. Observed: 1 variant allele.
Comment: ACMG Criteria: PVS1_MOD,PM2_SUP

NM_001385079.1(PDE10A):c.2895+2T>C

Gene: PDE10A (phosphodiesterase 10A; minus strand). Cytogenetic location: 6q27.
Variant type: single nucleotide variant.
Coding change: c.2895+2T>C on transcript NM_001385079.1 (MANE Select); the canonical splice donor site of the intron after coding-DNA position 2895, T replaced by C.
Molecular consequence: splice donor variant.
Genome position (GRCh38, 1-based): chr6:165,343,389, A>G on the plus strand (T>C on the coding strand, the complement: PDE10A is on the minus strand). VCF-style: chr6-165343389-A-G. GRCh37 (hg19) VCF-style: chr6-165756878-A-G.
Other names: c.2097+2T>C (NM_001130690.3); c.2067+2T>C (NM_006661.4).
Identifiers: ClinVar variation 4540433 (VCV004540433.1).